The following is an entry in ClinVar:

NM_015015.3(KDM4B):c.2901G>A (p.Thr967=)

Gene: KDM4B (lysine demethylase 4B; plus strand). Cytogenetic location: 19p13.3.
Variant type: single nucleotide variant.
Coding change: c.2901G>A on transcript NM_015015.3 (MANE Select); coding-DNA position 2901, G replaced by A.
Protein change: p.Thr967=; no amino-acid change (threonine 967 retained).
Molecular consequence: synonymous variant.
Genome position (GRCh38, 1-based): chr19:5,144,412, G>A. VCF-style: chr19-5144412-G-A. GRCh37 (hg19) VCF-style: chr19-5144423-G-A.
Other names: c.3003G>A, p.Thr1001= (NM_001411148.1).
Identifiers: ClinVar variation 4534096 (VCV004534096.6).
Genomic context (GRCh38, chr19:5,144,412, plus strand): 5'-CTACGAAGTGAACTTCGACGATGGCTCCTACAGCGACAACCTGTACCCTGAGAGCATCAC[G>A]GTGAGCTGTGGGGTGGGGCAGGGGGCGGGGGGAGGCTGGGAGCACAGCGACAACCTGTAC-3'
Protein context (NP_055830.1, residues 957-977): YSDNLYPESI[Thr967=]SRDCVQLGPP

ClinVar aggregate classification (germline): Likely benign (1 of 4 stars; one submission).

gnomAD v4.1: 48 of 1,558,944 alleles (0.0031%); highest among the groups gnomAD compares: Middle Eastern, 0.018%; no homozygotes.

Submission:

CeGaT Center for Human Genetics Tuebingen
Classification: Likely benign. Last evaluated: 2025-11-01. Review status: criteria provided, single submitter. Criteria: CeGaT Center For Human Genetics Tuebingen Variant Classification Criteria Version 2. Collection method: clinical testing. Allele origin: germline. Affected: yes. Observed: 1 variant allele.
Comment: KDM4B: BP4, BP7